The following is an entry in ClinVar:

ClinVar aggregate classification (germline): Uncertain significance (1 of 4 stars; one submission).

Allele frequency attached by ClinVar (database versions not stated): TOPMed below 0.00001; gnomAD 0.00001; 1000 Genomes Project 30x 0.00016.
gnomAD v4.1: 6 of 1,614,188 alleles (0.00037%); highest among the groups gnomAD compares: Non-Finnish European, 0.00051%; no homozygotes.

Submission:

Labcorp Genetics (formerly Invitae), Labcorp
Classification: Uncertain significance. Last evaluated: 2023-07-29. Review status: criteria provided, single submitter. Criteria: Invitae Variant Classification Sherloc (09022015). Collection method: clinical testing. Allele origin: germline.
Comment: This variant is not present in population databases (gnomAD no frequency). This sequence change replaces tyrosine, which is neutral and polar, with cysteine, which is neutral and slightly polar, at codon 434 of the EEF2 protein (p.Tyr434Cys). This variant has not been reported in the literature in individuals affected with EEF2-related conditions. In summary, the available evidence is currently insufficient to determine the role of this variant in disease. Therefore, it has been classified as a Variant of Uncertain Significance. Advanced modeling of protein sequence and biophysical properties (such as structural, functional, and spatial information, amino acid conservation, physicochemical variation, residue mobility, and thermodynamic stability) performed at Invitae indicates that this missense variant is expected to disrupt EEF2 protein function.

NM_001961.4(EEF2):c.1301A>G (p.Tyr434Cys)

Gene: EEF2 (eukaryotic translation elongation factor 2; minus strand). Cytogenetic location: 19p13.3.
Variant type: single nucleotide variant.
Coding change: c.1301A>G on transcript NM_001961.4 (MANE Select); coding-DNA position 1301, A replaced by G.
Protein change: p.Tyr434Cys; replaces tyrosine 434 with cysteine.
Molecular consequence: missense variant.
Genome position (GRCh38, 1-based): chr19:3,980,559, T>C on the plus strand (A>G on the coding strand, the complement: EEF2 is on the minus strand). VCF-style: chr19-3980559-T-C. GRCh37 (hg19) VCF-style: chr19-3980557-T-C.
Other names: short protein forms Y434C.
Identifiers: ClinVar variation 2958090 (VCV002958090.3), dbSNP rs913001998, ClinGen allele CA304443218.